The following is an entry in ClinVar:

NM_198576.4(AGRN):c.2706G>A (p.Ala902=)

Gene: AGRN (agrin; plus strand). Cytogenetic location: 1p36.33.
Variant type: single nucleotide variant.
Coding change: c.2706G>A on transcript NM_198576.4 (MANE Select); coding-DNA position 2706, G replaced by A.
Protein change: p.Ala902=; no amino-acid change (alanine 902 retained).
Molecular consequence: synonymous variant.
Genome position (GRCh38, 1-based): chr1:1,045,989, G>A. VCF-style: chr1-1045989-G-A. GRCh37 (hg19) VCF-style: chr1-981369-G-A.
Other names: c.2706G>A, p.Ala902= (NM_001305275.2); c.2391G>A, p.Ala797= (NM_001364727.2).
Identifiers: ClinVar variation 837639 (VCV000837639.8), dbSNP rs138212489, ClinGen allele CA508776.

ClinVar aggregate classification (germline): Uncertain significance (1 of 4 stars; one submission).

Conditions:
Congenital myasthenic syndrome 8. Also called: MYASTHENIC SYNDROME, CONGENITAL, DUE TO AGRIN DEFICIENCY; Myasthenic syndrome, congenital, 8, with pre- and postsynaptic defects. Identifiers: Orphanet 590, MedGen C3808739, MONDO:0014052, OMIM 615120.

Allele frequency attached by ClinVar (database versions not stated): gnomAD exomes 0.00002; TOPMed 0.00002; ExAC 0.00003; gnomAD 0.00003 and 0.00004; ESP Exome Variant Server 0.00008.

Submission:

Labcorp Genetics (formerly Invitae), Labcorp
Classification: Uncertain significance for Congenital myasthenic syndrome 8. Last evaluated: 2024-10-02. Review status: criteria provided, single submitter. Criteria: Invitae Variant Classification Sherloc (09022015). Collection method: clinical testing. Allele origin: germline.
Comment: This sequence change affects codon 902 of the AGRN mRNA. It is a 'silent' change, meaning that it does not change the encoded amino acid sequence of the AGRN protein. This variant is present in population databases (rs138212489, gnomAD 0.005%). This variant has not been reported in the literature in individuals affected with AGRN-related conditions. ClinVar contains an entry for this variant (Variation ID: 837639). Algorithms developed to predict the effect of sequence changes on RNA splicing suggest that this variant may create or strengthen a splice site. In summary, the available evidence is currently insufficient to determine the role of this variant in disease. Therefore, it has been classified as a Variant of Uncertain Significance.